The following is an entry in ClinVar:

ClinVar aggregate classification (germline): Likely pathogenic (1 of 4 stars; one submission).

Conditions:
Dilated cardiomyopathy 1G (CMD1G). Identifiers: Orphanet 154, MedGen C1858763, MONDO:0011400, OMIM 604145.

Submission:

MVZ Medizinische Genetik Mainz
Classification: Likely pathogenic for Dilated cardiomyopathy 1G. Last evaluated: 2026-06-17. Review status: criteria provided, single submitter. Criteria: UK Practice Guidelines For Variant Classification V4 01 2020. Collection method: clinical testing. Allele origin: germline. Inheritance: Autosomal dominant inheritance. Affected: yes. Observed: 1 variant allele.
Comment: ACMG Criteria: PVS1,PM2_SUP

NM_001267550.2(TTN):c.66623T>G (p.Leu22208Ter)

Genes: TTN (titin; minus strand), TTN-AS1 (TTN antisense RNA 1; plus strand). Cytogenetic location: 2q31.2.
Variant type: single nucleotide variant.
Coding change: c.66623T>G on transcript NM_001267550.2 (MANE Select); coding-DNA position 66623, T replaced by G.
Protein change: p.Leu22208Ter; replaces leucine 22208 with a stop codon.
Molecular consequence: nonsense.
Genome position (GRCh38, 1-based): chr2:178,581,645, A>C on the plus strand (T>G on the coding strand, the complement: TTN is on the minus strand). VCF-style: chr2-178581645-A-C. GRCh37 (hg19) VCF-style: chr2-179446372-A-C.
Other names: c.61700T>G, p.Leu20567Ter (NM_001256850.1); c.39428T>G, p.Leu13143Ter (NM_003319.4); c.58919T>G, p.Leu19640Ter (NM_133378.4); c.39803T>G, p.Leu13268Ter (NM_133432.3); c.40004T>G, p.Leu13335Ter (NM_133437.4); short protein forms L13143*, L13268*, L13335*, L19640*, L20567*, L22208*.
Identifiers: ClinVar variation 4879838 (VCV004879838.1).